The following is an entry in ClinVar:

NM_181882.3(PRX):c.2727C>T (p.Pro909=)

Gene: PRX (periaxin; minus strand). Cytogenetic location: 19q13.2.
Variant type: single nucleotide variant.
Coding change: c.2727C>T on transcript NM_181882.3 (MANE Select); coding-DNA position 2727, C replaced by T.
Protein change: p.Pro909=; no amino-acid change (proline 909 retained).
Molecular consequence: synonymous variant. On other transcripts: 3 prime UTR variant (1).
Genome position (GRCh38, 1-based): chr19:40,395,625, G>A on the plus strand (C>T on the coding strand, the complement: PRX is on the minus strand). VCF-style: chr19-40395625-G-A. GRCh37 (hg19) VCF-style: chr19-40901532-G-A.
Other names: p.Pro909=; c.*2932C>T (NM_020956.2).
Identifiers: ClinVar variation 329264 (VCV000329264.21), dbSNP rs61735546, ClinGen allele CA9443994.
Genomic context (GRCh38, chr19:40,395,625, plus strand): 5'-GGAAGAGGGCTTGACTTTTGTCTCTATCATCTCCAGCCGCCCTTCCTCAATTTCCACGGC[G>A]GGCAGCTGTGGGGTGACAATTTCAACAGAGGGCACTCGGAAGCCCACTTCCCTGACCCCT-3'
Protein context (NP_870998.2, residues 899-919): PSVEIVTPQL[Pro909=]AVEIEEGRLE

ClinVar aggregate classification (germline): Benign. Review status: criteria provided, multiple submitters, no conflicts (2 of 4 stars). 7 submissions from 7 submitters: Benign (7). Last evaluated 2026-02-02.

Conditions:
Charcot-Marie-Tooth disease type 4F. Also called: Charcot-Marie-Tooth disease, demyelinating, type 4F. Identifiers: Orphanet 99952, MedGen C3540453, MONDO:0013959, OMIM 614895.
Charcot-Marie-Tooth disease. Also called: Charcot-Marie-Tooth Neuropathy; Charcot-Marie-Tooth Hereditary Neuropathy. Identifiers: Orphanet 166, MedGen C0007959, MONDO:0015626.
Charcot-Marie-Tooth disease type 4. Also called: Charcot-Marie-Tooth, Type 4; Charcot-Marie-Tooth disease, type IV. Identifiers: Orphanet 64749, MedGen C4082197, MONDO:0018995.

Allele frequency attached by ClinVar (database versions not stated): gnomAD exomes 0.00283 and 0.00786; ExAC 0.00978; gnomAD 0.03086 and 0.03308; 1000 Genomes Project 0.03235; TOPMed 0.03380; 1000 Genomes Project 30x 0.03435; ESP Exome Variant Server 0.03744.
gnomAD v4.1: 9,046 of 1,614,060 alleles (0.56%); highest among the groups gnomAD compares: African/African-American, 11%; 464 homozygotes.

Submissions (7):

Labcorp Genetics (formerly Invitae), Labcorp
Classification: Benign for Charcot-Marie-Tooth disease type 4. Last evaluated: 2026-02-02. Review status: criteria provided, single submitter. Criteria: Invitae Variant Classification Sherloc (09022015). Collection method: clinical testing. Allele origin: germline.

Athena Diagnostics
Classification: Benign. Last evaluated: 2025-06-30. Review status: criteria provided, single submitter. Criteria: Athena Diagnostics Criteria. Collection method: clinical testing. Allele origin: unknown.
Comment: The frequency of this variant in the general population is higher than would generally be expected for pathogenic variants in this gene.

Illumina Laboratory Services, Illumina
Classification: Benign for Charcot-Marie-Tooth disease type 4F. Last evaluated: 2018-01-13. Review status: criteria provided, single submitter. Criteria: ICSL Variant Classification Criteria 13 December 2019. Collection method: clinical testing. Allele origin: germline.
Comment: This variant was observed in the ICSL laboratory as part of a predisposition screen in an ostensibly healthy population. It had not been previously curated by ICSL or reported in the Human Gene Mutation Database (HGMD: prior to June 1st, 2018), and was therefore a candidate for classification through an automated scoring system. Utilizing variant allele frequency, disease prevalence and penetrance estimates, and inheritance mode, an automated score was calculated to assess if this variant is too frequent to cause the disease. Based on the score and internal cut-off values, a variant classified as benign is not then subjected to further curation. The score for this variant resulted in a classification of benign for this disease.

Mayo Clinic Laboratories, Mayo Clinic
Classification: Benign. Last evaluated: 2016-09-21. Review status: criteria provided, single submitter. Criteria: ACMG Guidelines, 2015. Collection method: clinical testing. Allele origin: germline. Observed: 26 variant alleles.

GeneDx
Classification: Benign. Last evaluated: 2015-03-03. Review status: criteria provided, single submitter. Criteria: GeneDx Variant Classification Process June 2021. Collection method: clinical testing. Allele origin: germline. Affected: yes.

Breakthrough Genomics
Classification: Benign. Review status: criteria provided, single submitter. Criteria: ACMG Guidelines, 2015. Collection method: not provided. Allele origin: germline. Inheritance: Autosomal recessive inheritance. Affected: yes.

Molecular Genetics Laboratory, London Health Sciences Centre
Classification: Benign for Charcot-Marie-Tooth disease. Review status: criteria provided, single submitter. Criteria: ACMG Guidelines, 2015. Collection method: clinical testing. Allele origin: germline. Affected: yes.